The following is an entry in ClinVar:

NM_000535.7(PMS2):c.641_642dup (p.Val215fs)

Gene: PMS2 (PMS1 homolog 2, mismatch repair system component; minus strand). Cytogenetic location: 7p22.1.
Variant type: Microsatellite.
Coding change: c.641_642dup on transcript NM_000535.7 (MANE Select); coding-DNA positions 641 to 642, 2 bases duplicated (TG; older notation c.641_642dupTG).
Protein change: p.Val215fs; shifts the reading frame from valine 215.
Molecular consequence: frameshift variant. On other transcripts: intron variant (9), 5 prime UTR variant (2), non-coding transcript variant (1).
Genome position (GRCh38, 1-based): chr7:5,999,171-5,999,172, CA duplicated on the plus strand (TG on the coding strand, the reverse complement: PMS2 is on the minus strand); duplicating any 2 consecutive bases within chr7:5,999,171-5,999,174 gives the same sequence; the c. name uses the placement nearest the transcript's 3' end. VCF-style (leftmost placement, unchanged base first): chr7-5999170-C-CCA. GRCh37 (hg19) VCF-style: chr7-6038801-C-CCA.
Other names: c.192+42TG[3] (NM_001406904.1, NM_001406905.1); c.133-1751TG[3] (NM_001322013.2, NM_001406909.1); c.537+3279TG[3] (NM_001406886.1); c.538-1751TG[3] (NM_001406884.1, NM_001406874.1); c.597+42TG[3] (NM_001406869.1); c.639_640TG[3], p.Val215Trpfs (NM_000535.5); c.236_237dup, p.Val80fs (NM_001322003.2, NM_001322004.2, NM_001322005.2 and 19 more transcripts); c.641_642dup, p.Val215fs (NM_001322006.2, NM_001322014.2, NM_001406870.1 and 4 more transcripts); and 8 more; short protein forms V103fs, V109fs, V112fs, V215fs, V223fs, V277fs, V80fs.
Identifiers: ClinVar variation 4667514 (VCV004667514.1).

ClinVar aggregate classification (germline): Pathogenic (1 of 4 stars; one submission).

Conditions:
Hereditary cancer-predisposing syndrome. Also called: Neoplastic Syndromes, Hereditary; Tumor predisposition; Hereditary Cancer Syndrome; Hereditary neoplastic syndrome. Identifiers: Orphanet 140162, MedGen C0027672, MeSH D009386, MONDO:0015356.

Submission:

Ambry Genetics
Classification: Pathogenic for Hereditary cancer-predisposing syndrome. Last evaluated: 2025-11-17. Review status: criteria provided, single submitter. Criteria: Ambry Variant Classification Scheme 2023. Collection method: clinical testing. Allele origin: germline.
Comment: The c.641_642dupTG pathogenic mutation, located in coding exon 6 of the PMS2 gene, results from a duplication of TG at nucleotide position 641, causing a translational frameshift with a predicted alternate stop codon (p.V215Wfs*10). This variant is considered to be rare based on population cohorts in the Genome Aggregation Database (gnomAD). This alteration is expected to result in loss of function by premature protein truncation or nonsense-mediated mRNA decay. As such, this alteration is interpreted as a disease-causing mutation.